The following is an entry in ClinVar:

ClinVar aggregate classification (germline): Uncertain significance. Review status: criteria provided, multiple submitters, no conflicts (2 of 4 stars). 2 submissions from 2 submitters: Uncertain significance (2). Last evaluated 2024-05-22.

Conditions:
Familial Mediterranean fever (FMF). Also called: Periodic peritonitis; Benign paroxysmal peritonitis; POLYSEROSITIS, FAMILIAL PAROXYSMAL; POLYSEROSITIS, RECURRENT. Identifiers: Orphanet 342, MedGen C0031069, MONDO:0018088, OMIM 249100. Disease mechanism: gain of function.
Familial Mediterranean fever, autosomal dominant. Also called: Dominant Familial Mediterranean Fever; FMF, AUTOSOMAL DOMINANT. Identifiers: Orphanet 342, MedGen C1851347, MONDO:0007601, OMIM 134610.
Acute febrile neutrophilic dermatosis (AFND). Also called: Sweet Syndrome; Gomm Button disease. Identifiers: Orphanet 3243, MedGen C0085077, MONDO:0011959, OMIM 608068.

Submissions (2):

Fulgent Genetics
Classification: Uncertain significance for Familial Mediterranean fever, autosomal dominant; Familial Mediterranean fever; Acute febrile neutrophilic dermatosis. Last evaluated: 2024-05-22. Review status: criteria provided, single submitter. Criteria: ACMG Guidelines, 2015. Collection method: clinical testing. Allele origin: germline.

Labcorp Genetics (formerly Invitae), Labcorp
Classification: Uncertain significance for Familial Mediterranean fever. Last evaluated: 2022-03-11. Review status: criteria provided, single submitter. Criteria: Invitae Variant Classification Sherloc (09022015). Collection method: clinical testing. Allele origin: germline.
Comment: This sequence change replaces glycine, which is neutral and non-polar, with arginine, which is basic and polar, at codon 325 of the MEFV protein (p.Gly325Arg). This variant is not present in population databases (gnomAD no frequency). This variant has not been reported in the literature in individuals affected with MEFV-related conditions. Algorithms developed to predict the effect of missense changes on protein structure and function are either unavailable or do not agree on the potential impact of this missense change (SIFT: "Tolerated"; PolyPhen-2: "Possibly Damaging"; Align-GVGD: "Class C0"). In summary, the available evidence is currently insufficient to determine the role of this variant in disease. Therefore, it has been classified as a Variant of Uncertain Significance.

NM_000243.3(MEFV):c.973G>C (p.Gly325Arg)

Gene: MEFV (MEFV innate immunity regulator, pyrin; minus strand). Cytogenetic location: 16p13.3.
Variant type: single nucleotide variant.
Coding change: c.973G>C on transcript NM_000243.3 (MANE Select); coding-DNA position 973, G replaced by C.
Protein change: p.Gly325Arg; replaces glycine 325 with arginine.
Molecular consequence: missense variant.
Genome position (GRCh38, 1-based): chr16:3,249,718, C>G on the plus strand (G>C on the coding strand, the complement: MEFV is on the minus strand). VCF-style: chr16-3249718-C-G. GRCh37 (hg19) VCF-style: chr16-3299718-C-G.
Other names: c.340G>C, p.Gly114Arg (NM_001198536.2); short protein forms G114R, G325R.
Identifiers: ClinVar variation 1385298 (VCV001385298.6), dbSNP rs146862274, ClinGen allele CA276899006.